The following is an entry in ClinVar:

NM_004656.4(BAP1):c.2057-16C>T

Gene: BAP1 (BRCA1 associated deubiquitinase 1; minus strand). Cytogenetic location: 3p21.1.
Variant type: single nucleotide variant.
Coding change: c.2057-16C>T on transcript NM_004656.4 (MANE Select); 16 bases into the intron before coding-DNA position 2057, C replaced by T.
Molecular consequence: intron variant.
Genome position (GRCh38, 1-based): chr3:52,402,437, G>A on the plus strand (C>T on the coding strand, the complement: BAP1 is on the minus strand). VCF-style: chr3-52402437-G-A. GRCh37 (hg19) VCF-style: chr3-52436453-G-A.
Identifiers: ClinVar variation 490838 (VCV000490838.13), dbSNP rs369116884, ClinGen allele CA658683341.
Genomic context (GRCh38, chr3:52,402,437, plus strand): 5'-GCCGCCGCACGGAGATGTTCTGCTCCACTAGGTTGGCCAGCATGCCTGCGAAGAGGTAGA[G>A]ACCCTTGAGCAGGTGCTGGCTGCCTCAGGCCAGGAGCTGAGGCTCTCATGGCCCTCCCTG-3'

ClinVar aggregate classification (germline): Likely benign. Review status: criteria provided, multiple submitters, no conflicts (2 of 4 stars). 4 submissions from 4 submitters: Likely benign (4). Last evaluated 2025-11-04.

Conditions:
Hereditary cancer-predisposing syndrome. Also called: Hereditary Cancer Syndrome; Neoplastic Syndromes, Hereditary; Tumor predisposition; Hereditary neoplastic syndrome. Identifiers: Orphanet 140162, MedGen C0027672, MeSH D009386, MONDO:0015356.
BAP1-related tumor predisposition syndrome (TPDS1). Also called: Tumor susceptibility linked to germline BAP1 mutations; BAP1 tumor predisposition syndrome; COMMON Syndrome; TUMOR PREDISPOSITION SYNDROME 1. Identifiers: Orphanet 289539, MedGen C3280492, MONDO:0013692, OMIM 614327.

Allele frequency attached by ClinVar (database versions not stated): gnomAD exomes below 0.00001.

Submissions (4):

Labcorp Genetics (formerly Invitae), Labcorp
Classification: Likely benign for BAP1-related tumor predisposition syndrome. Last evaluated: 2025-11-04. Review status: criteria provided, single submitter. Criteria: Invitae Variant Classification Sherloc (09022015). Collection method: clinical testing. Allele origin: germline.

Center for Genomic Medicine, Rigshospitalet, Copenhagen University Hospital
Classification: Likely benign. Last evaluated: 2025-03-04. Review status: criteria provided, single submitter. Criteria: ACMG Guidelines, 2015. Collection method: clinical testing. Allele origin: germline.

Myriad Genetics, Inc.
Classification: Likely benign for BAP1-related tumor predisposition syndrome. Last evaluated: 2024-07-17. Review status: criteria provided, single submitter. Criteria: Myriad Autosomal Dominant, Autosomal Recessive and X-Linked Classification Criteria (2023). Collection method: clinical testing. Allele origin: unknown.
Comment: This variant is considered likely benign. This variant is intronic and is not expected to impact mRNA splicing.

Color Diagnostics, LLC DBA Color Health
Classification: Likely benign for Hereditary cancer-predisposing syndrome. Last evaluated: 2016-06-14. Review status: criteria provided, single submitter. Criteria: ACMG Guidelines, 2015. Collection method: clinical testing. Allele origin: germline.